The following is an entry in ClinVar:

ClinVar aggregate classification (germline): Uncertain significance (1 of 4 stars; one submission).

Conditions:
Progressive encephalopathy with leukodystrophy due to DECR deficiency. Identifiers: Orphanet 431361, MedGen C1857252, MONDO:0014464, OMIM 616034.

gnomAD v4.1: 3 of 1,613,962 alleles (0.00019%); highest among the groups gnomAD compares: Non-Finnish European, 0.00017%; no homozygotes.

Submission:

Labcorp Genetics (formerly Invitae), Labcorp
Classification: Uncertain significance for Progressive encephalopathy with leukodystrophy due to DECR deficiency. Last evaluated: 2024-07-02. Review status: criteria provided, single submitter. Criteria: Invitae Variant Classification Sherloc (09022015). Collection method: clinical testing. Allele origin: germline.
Comment: This sequence change replaces tyrosine, which is neutral and polar, with phenylalanine, which is neutral and non-polar, at codon 210 of the NADK2 protein (p.Tyr210Phe). This variant is not present in population databases (gnomAD no frequency). This variant has not been reported in the literature in individuals affected with NADK2-related conditions. Advanced modeling of protein sequence and biophysical properties (such as structural, functional, and spatial information, amino acid conservation, physicochemical variation, residue mobility, and thermodynamic stability) performed at Invitae indicates that this missense variant is not expected to disrupt NADK2 protein function with a negative predictive value of 80%. In summary, the available evidence is currently insufficient to determine the role of this variant in disease. Therefore, it has been classified as a Variant of Uncertain Significance.

NM_001085411.3(NADK2):c.629A>T (p.Tyr210Phe)

Gene: NADK2 (NAD kinase 2, mitochondrial; minus strand). Cytogenetic location: 5p13.2.
Variant type: single nucleotide variant.
Coding change: c.629A>T on transcript NM_001085411.3 (MANE Select); coding-DNA position 629, A replaced by T.
Protein change: p.Tyr210Phe; replaces tyrosine 210 with phenylalanine.
Molecular consequence: missense variant.
Genome position (GRCh38, 1-based): chr5:36,219,611, T>A on the plus strand (A>T on the coding strand, the complement: NADK2 is on the minus strand). VCF-style: chr5-36219611-T-A. GRCh37 (hg19) VCF-style: chr5-36219713-T-A.
Other names: c.140A>T, p.Tyr47Phe (NM_001287340.2, NM_001287341.2, NM_153013.5); short protein forms Y210F, Y47F.
Identifiers: ClinVar variation 3681435 (VCV003681435.2).